The following is an entry in ClinVar:

ClinVar aggregate classification (germline): Likely pathogenic (1 of 4 stars; one submission).

Conditions:
Glycogen storage disease type III (GSD3). Also called: FORBES DISEASE; Cori disease. Identifiers: Orphanet 366, MedGen C0017922, MONDO:0009291, OMIM 232400.

Submission:

Myriad Genetics, Inc.
Classification: Likely pathogenic for Glycogen storage disease type III. Last evaluated: 2022-05-18. Review status: criteria provided, single submitter. Criteria: Myriad Women's Health Autosomal Recessive and X-Linked Classification Criteria (2021). Collection method: clinical testing. Allele origin: unknown.
Comment: NM_000642.2(AGL):c.2516dupA(N839Kfs*13) is expected to be pathogenic in the context of glycogen storage disease type III. This variant is predicted to lead to an abnormal or absent protein product due to the creation of a premature termination codon in AGL, a gene where loss-of-function variants are known to be pathogenic. Please note: this variant was assessed in the context of healthy population screening.

NM_000642.3(AGL):c.2516dup (p.Asn839fs)

Gene: AGL (amylo-alpha-1,6-glucosidase and 4-alpha-glucanotransferase; plus strand). Cytogenetic location: 1p21.2.
Variant type: Duplication.
Coding change: c.2516dup on transcript NM_000642.3 (MANE Select); coding-DNA position 2516, one base duplicated (A; older notation c.2516dupA).
Protein change: p.Asn839fs; shifts the reading frame from asparagine 839.
Molecular consequence: frameshift variant.
Genome position (GRCh38, 1-based): chr1:99,884,421, A duplicated; the last of 4 consecutive A bases (chr1:99,884,418-99,884,421); duplicating any one gives the same sequence. VCF-style (leftmost placement, unchanged base first): chr1-99884417-G-GA. GRCh37 (hg19) VCF-style: chr1-100349973-G-GA.
Other names: c.2516dup, p.Asn839Lysfs (NM_000028.3, NM_000643.3, NM_000644.3 and 2 more transcripts); c.2468dup, p.Asn823Lysfs (NM_000646.3); c.2315dup, p.Asn772Lysfs (NM_001425327.1); c.2312dup, p.Asn771Lysfs (NM_001425328.1, NM_001425329.1); c.2138dup, p.Asn713Lysfs (NM_001425332.1); short protein forms N823fs, N839fs.
Identifiers: ClinVar variation 1726100 (VCV001726100.2), dbSNP rs2524675321, ClinGen allele CA2580063436.